The following is an entry in ClinVar:

NM_012210.4(TRIM32):c.292C>A (p.Leu98Ile)

Genes: ASTN2 (astrotactin 2; minus strand), TRIM32 (tripartite motif containing 32; plus strand). Cytogenetic location: 9q33.1.
Variant type: single nucleotide variant.
Coding change: c.292C>A on transcript NM_012210.4 (MANE Select); coding-DNA position 292, C replaced by A.
Protein change: p.Leu98Ile; replaces leucine 98 with isoleucine.
Molecular consequence: missense variant. On other transcripts: intron variant (3).
Genome position (GRCh38, 1-based): chr9:116,698,034, C>A. VCF-style: chr9-116698034-C-A. GRCh37 (hg19) VCF-style: chr9-119460313-C-A.
Other names: c.292C>A, p.Leu98Ile (NM_001099679.2, NM_001379048.1, NM_001379049.1 and 1 more transcripts); c.2653+27737G>T (NM_014010.5); c.2794+27737G>T (NM_001365069.1); c.2806+27737G>T (NM_001365068.1); short protein forms L98I.
Identifiers: ClinVar variation 289342 (VCV000289342.26), dbSNP rs201877419, ClinGen allele CA5210938.

ClinVar aggregate classification (germline): Uncertain significance. Review status: criteria provided, multiple submitters, no conflicts (2 of 4 stars). 9 submissions from 8 submitters: Uncertain significance (9). Last evaluated 2025-12-31.

Conditions:
Inborn genetic diseases. Identifiers: MedGen C0950123, MeSH D030342.
TRIM32-related disorder. Also called: TRIM32-related condition.
Sarcotubular myopathy (LGMDR8). Also called: Limb-girdle muscular dystrophy, type 2H; MUSCULAR DYSTROPHY, LIMB-GIRDLE, AUTOSOMAL RECESSIVE 8; Autosomal recessive limb-girdle muscular dystrophy type 2H; Hutterite type of muscular dystrophy. Identifiers: Orphanet 1878, MedGen C0270968, MONDO:0009683, OMIM 254110.
Bardet-Biedl syndrome 11 (BBS11). Identifiers: Orphanet 110, MedGen C1859569, MONDO:0014439, OMIM 615988.
Bardet-Biedl syndrome (BBS). Identifiers: Orphanet 110, MedGen C0752166, MONDO:0015229.

Allele frequency attached by ClinVar (database versions not stated): ExAC 0.00002; gnomAD exomes 0.00003 and 0.00010; gnomAD 0.00039 and 0.00040; 1000 Genomes Project 0.00040; TOPMed 0.00040; 1000 Genomes Project 30x 0.00047.
gnomAD v4.1: 95 of 1,614,038 alleles (0.0059%); highest among the groups gnomAD compares: Admixed American, 0.15%; no homozygotes.

Submissions (9):

PreventionGenetics, part of Exact Sciences
Classification: Uncertain significance for TRIM32-related condition. Last evaluated: 2025-12-31. Review status: criteria provided, single submitter. Criteria: ACMG Guidelines, 2015. Collection method: clinical testing. Allele origin: germline.
Comment: The TRIM32 c.292C>A variant is predicted to result in the amino acid substitution p.Leu98Ile. To our knowledge, this variant has not been reported in the literature. This variant is reported in 0.071% of alleles in individuals of Latino descent in gnomAD. Although we suspect that this variant may be benign, at this time, the clinical significance of this variant is uncertain due to the absence of conclusive functional and genetic evidence.

Ambry Genetics
Classification: Uncertain significance for Inborn genetic diseases. Last evaluated: 2025-08-22. Review status: criteria provided, single submitter. Criteria: Ambry Variant Classification Scheme 2023. Collection method: clinical testing. Allele origin: germline.

Labcorp Genetics (formerly Invitae), Labcorp
Classification: Uncertain significance for Bardet-Biedl syndrome. Last evaluated: 2023-12-22. Review status: criteria provided, single submitter. Criteria: Invitae Variant Classification Sherloc (09022015). Collection method: clinical testing. Allele origin: germline.
Comment: This sequence change replaces leucine, which is neutral and non-polar, with isoleucine, which is neutral and non-polar, at codon 98 of the TRIM32 protein (p.Leu98Ile). This variant is present in population databases (rs201877419, gnomAD 0.07%). This variant has not been reported in the literature in individuals affected with TRIM32-related conditions. ClinVar contains an entry for this variant (Variation ID: 289342). An algorithm developed to predict the effect of missense changes on protein structure and function (PolyPhen-2) suggests that this variant¬†is likely to be tolerated. In summary, the available evidence is currently insufficient to determine the role of this variant in disease. Therefore, it has been classified as a Variant of Uncertain Significance.

GeneDx
Classification: Uncertain significance. Last evaluated: 2023-02-20. Review status: criteria provided, single submitter. Criteria: GeneDx Variant Classification Process June 2021. Collection method: clinical testing. Allele origin: germline. Affected: yes.
Comment: In silico analysis supports that this missense variant does not alter protein structure/function; Has not been previously reported as a pathogenic or benign germline variant to our knowledge; This variant is associated with the following publications: (PMID: 27485054)

Revvity Omics, Revvity
Classification: Uncertain significance. Last evaluated: 2022-05-19. Review status: criteria provided, single submitter. Criteria: ACMG Guidelines, 2015. Collection method: clinical testing. Allele origin: germline.

Fulgent Genetics
Classification: Uncertain significance for Sarcotubular myopathy; Bardet-Biedl syndrome 11. Last evaluated: 2022-04-01. Review status: criteria provided, single submitter. Criteria: ACMG Guidelines, 2015. Collection method: clinical testing. Allele origin: unknown.

Illumina Laboratory Services, Illumina
Classification: Uncertain significance for Sarcotubular myopathy. Last evaluated: 2018-02-16. Review status: criteria provided, single submitter. Criteria: ICSL Variant Classification Criteria 13 December 2019. Collection method: clinical testing. Allele origin: germline.

Illumina Laboratory Services, Illumina
Classification: Uncertain significance for Bardet-Biedl syndrome 11. Last evaluated: 2018-02-16. Review status: criteria provided, single submitter. Criteria: ICSL Variant Classification Criteria 13 December 2019. Collection method: clinical testing. Allele origin: germline.

Eurofins Ntd Llc (ga)
Classification: Uncertain significance. Last evaluated: 2016-07-11. Review status: criteria provided, single submitter. Criteria: EGL Classification Definitions 2015. Collection method: clinical testing. Allele origin: germline. Observed: 1 variant allele, 1 heterozygote.